The following is an entry in ClinVar:

ClinVar aggregate classification (germline): Conflicting classifications of pathogenicity. Review status: criteria provided, conflicting classifications (1 of 4 stars). 5 submissions from 5 submitters: Uncertain significance (4); Likely benign (1). Last evaluated 2024-11-19.

Conditions:
Cardiovascular phenotype. Identifiers: MedGen CN230736.
Alstrom syndrome (ALMS). Identifiers: Orphanet 64, MedGen C0268425, MONDO:0008763, OMIM 203800.

Allele frequency attached by ClinVar (database versions not stated): gnomAD exomes 0.00001 and 0.00002; ExAC 0.00003; gnomAD 0.00003 and 0.00004.
gnomAD v4.1: 20 of 1,613,910 alleles (0.0012%); highest among the groups gnomAD compares: East Asian, 0.0045%; no homozygotes.

Submissions (5):

ARUP Laboratories, Molecular Genetics and Genomics, ARUP Laboratories
Classification: Uncertain significance for Alstrom syndrome. Last evaluated: 2024-11-19. Review status: criteria provided, single submitter. Criteria: ARUP Molecular Germline Variant Investigation Process 2024. Collection method: clinical testing. Allele origin: germline.
Comment: The ALMS1 c.9770G>A; p.Arg3257His variant (rs748153319), to our knowledge, is not reported in the medical literature but is reported in ClinVar (Variation ID: 1434369). This variant is found in the general population with an overall allele frequency of 0.002% (7/280,860 alleles) in the Genome Aggregation Database (v2.1.1). Computational analyses predict that this variant is neutral (REVEL: 0.022). However, given the lack of clinical and functional data, the significance of this variant is uncertain at this time.

Labcorp Genetics (formerly Invitae), Labcorp
Classification: Uncertain significance for Alstrom syndrome. Last evaluated: 2024-10-26. Review status: criteria provided, single submitter. Criteria: Invitae Variant Classification Sherloc (09022015). Collection method: clinical testing. Allele origin: germline.
Comment: This sequence change replaces arginine, which is basic and polar, with histidine, which is basic and polar, at codon 3258 of the ALMS1 protein (p.Arg3258His). This variant is present in population databases (rs748153319, gnomAD 0.01%). This variant has not been reported in the literature in individuals affected with ALMS1-related conditions. ClinVar contains an entry for this variant (Variation ID: 1434369). Experimental studies and prediction algorithms are not available or were not evaluated, and the functional significance of this variant is currently unknown. In summary, the available evidence is currently insufficient to determine the role of this variant in disease. Therefore, it has been classified as a Variant of Uncertain Significance.

GeneDx
Classification: Uncertain significance. Last evaluated: 2024-05-06. Review status: criteria provided, single submitter. Criteria: GeneDx Variant Classification Process June 2021. Collection method: clinical testing. Allele origin: germline. Affected: yes.
Comment: Not observed at significant frequency in large population cohorts (gnomAD); In silico analysis indicates that this missense variant does not alter protein structure/function; Has not been previously published as pathogenic or benign to our knowledge

Blueprint Genetics
Classification: Uncertain significance. Last evaluated: 2023-04-25. Review status: criteria provided, single submitter. Criteria: ACMG Guidelines, 2015. Collection method: clinical testing. Allele origin: germline.

Ambry Genetics
Classification: Likely benign for Cardiovascular phenotype. Last evaluated: 2021-12-01. Review status: criteria provided, single submitter. Criteria: Ambry Variant Classification Scheme 2023. Collection method: clinical testing. Allele origin: germline.

NM_001378454.1(ALMS1):c.9770G>A (p.Arg3257His)

Gene: ALMS1 (ALMS1 centrosome and basal body associated protein; plus strand). Cytogenetic location: 2p13.1.
Variant type: single nucleotide variant.
Coding change: c.9770G>A on transcript NM_001378454.1 (MANE Select); coding-DNA position 9770, G replaced by A.
Protein change: p.Arg3257His; replaces arginine 3257 with histidine.
Molecular consequence: missense variant.
Genome position (GRCh38, 1-based): chr2:73,520,005, G>A. VCF-style: chr2-73520005-G-A. GRCh37 (hg19) VCF-style: chr2-73747132-G-A.
Other names: c.9773G>A, p.Arg3258His (NM_015120.4); short protein forms R3257H, R3258H.
Identifiers: ClinVar variation 1434369 (VCV001434369.10), dbSNP rs748153319, ClinGen allele CA1714761.
Genomic context (GRCh38, chr2:73,520,005, plus strand): 5'-TACGCAAAGCTCCTGTCAAGTTTGCCTCATCATCTTCAGTCCAACAGGTTACTTTTTCTC[G>A]CGGCACAGATGGTAAGAGAATGTGATTGCATTTTAGATTGTTAGACCAGCTCTTTTGTGT-3'
Protein context (NP_001365383.1, residues 3247-3267): SSSVQQVTFS[Arg3257His]GTDGQPLLLP